The following is an entry in ClinVar:

NM_001161352.2(KCNMA1):c.514G>A (p.Ala172Thr)

Gene: KCNMA1 (potassium calcium-activated channel subfamily M alpha 1; minus strand). Cytogenetic location: 10q22.3.
Variant type: single nucleotide variant.
Coding change: c.514G>A on transcript NM_001161352.2 (MANE Select); coding-DNA position 514, G replaced by A.
Protein change: p.Ala172Thr; replaces alanine 172 with threonine.
Molecular consequence: missense variant. On other transcripts: intron variant (1).
Genome position (GRCh38, 1-based): chr10:77,403,888, C>T on the plus strand (G>A on the coding strand, the complement: KCNMA1 is on the minus strand). VCF-style: chr10-77403888-C-T. GRCh37 (hg19) VCF-style: chr10-79163646-C-T.
Other names: c.514G>A, p.Ala172Thr (NM_001014797.3, NM_001161353.2, NM_001271519.2 and 7 more transcripts); c.379-152632G>A (NM_001271518.2); short protein forms A172T.
Identifiers: ClinVar variation 1047433 (VCV001047433.13), dbSNP rs2096371289, ClinGen allele CA377410972.

ClinVar aggregate classification (germline): Conflicting classifications of pathogenicity. Review status: criteria provided, conflicting classifications (1 of 4 stars). 3 submissions from 3 submitters: Pathogenic (2); Uncertain significance (1). Last evaluated 2025-08-15.

Conditions:
Generalized epilepsy-paroxysmal dyskinesia syndrome (PNKD3). Also called: Generalized epilepsy and paroxysmal dyskinesia; Paroxysmal nonkinesigenic dyskinesia, 3, with or without generalized epilepsy. Identifiers: Orphanet 79137, MedGen C5574945, MONDO:0012276, OMIM 609446.
Inborn genetic diseases. Identifiers: MedGen C0950123, MeSH D030342.

Submissions (3):

GeneDx
Classification: Pathogenic. Last evaluated: 2025-08-15. Review status: criteria provided, single submitter. Criteria: GeneDx Variant Classification Process June 2021. Collection method: clinical testing. Allele origin: germline. Affected: yes.
Comment: Not observed at significant frequency in large population cohorts (gnomAD); In silico analysis supports that this missense variant has a deleterious effect on protein structure/function; This variant is associated with the following publications: (PMID: 35156297, 37273706, 35982160, 35231114)

Ambry Genetics
Classification: Pathogenic for Inborn genetic diseases. Last evaluated: 2025-03-25. Review status: criteria provided, single submitter. Criteria: Ambry Variant Classification Scheme 2023. Collection method: clinical testing. Allele origin: germline.
Comment: The c.514G>A (p.A172T) alteration is located in exon 2 (coding exon 2) of the KCNMA1 gene. This alteration results from a G to A substitution at nucleotide position 514, causing the alanine (A) at amino acid position 172 to be replaced by a threonine (T). for autosomal dominant KCNMA1-related neurological disorder; however, its clinical significance for autosomal recessive KCNMA1-related neurodevelopmental disorder is uncertain. This variant was not reported in population-based cohorts in the Genome Aggregation Database (gnomAD). This variant has been determined to be the result of a de novo mutation in multiple individuals with features consistent with Liang-Wang syndrome (Duan, 2022; Liang, 2022; Ambry internal data). This variant has also been reported in one individual in a neuromuscular disorder cohort and one individual in an autism spectrum disorder cohort but clinical details were limited (Fu, 2022; Ek, 2023). This amino acid position is highly conserved in available vertebrate species. This missense alteration is located in a region that has a low rate of benign missense variation (Lek, 2016; Firth, 2009). In an assay testing KCNMA1 function, this variant showed a functionally abnormal result (Liang, 2022). This alteration is predicted to be deleterious by in silico analysis. Based on the available evidence, this alteration is classified as pathogenic.

Labcorp Genetics (formerly Invitae), Labcorp
Classification: Uncertain significance for Generalized epilepsy-paroxysmal dyskinesia syndrome. Last evaluated: 2020-10-23. Review status: criteria provided, single submitter. Criteria: Invitae Variant Classification Sherloc (09022015). Collection method: clinical testing. Allele origin: germline.
Comment: This sequence change replaces alanine with threonine at codon 172 of the KCNMA1 protein (p.Ala172Thr). The alanine residue is moderately conserved and there is a small physicochemical difference between alanine and threonine. This variant is not present in population databases (ExAC no frequency). This variant has not been reported in the literature in individuals with KCNMA1-related conditions. Algorithms developed to predict the effect of missense changes on protein structure and function are either unavailable or do not agree on the potential impact of this missense change (SIFT: "Tolerated"; PolyPhen-2: "Probably Damaging"; Align-GVGD: "Class C0"). In summary, the available evidence is currently insufficient to determine the role of this variant in disease. Therefore, it has been classified as a Variant of Uncertain Significance.

Literature cited by the submitters: PubMed 35156297 (cited by Ambry Genetics); PubMed 35231114 (cited by Ambry Genetics); PubMed 35982160 (cited by Ambry Genetics); PubMed 37273706 (cited by Ambry Genetics).